The following is an entry in ClinVar:

ClinVar aggregate classification (germline): Uncertain significance. Review status: criteria provided, multiple submitters, no conflicts (2 of 4 stars). 2 submissions from 2 submitters: Uncertain significance (2). Last evaluated 2024-10-30.

Conditions:
Hereditary cancer-predisposing syndrome. Also called: Tumor predisposition; Hereditary Cancer Syndrome; Neoplastic Syndromes, Hereditary; Hereditary neoplastic syndrome. Identifiers: Orphanet 140162, MedGen C0027672, MeSH D009386, MONDO:0015356.

Submissions (2):

Molecular Diagnostics Laboratory, Catalan Institute of Oncology
Classification: Uncertain significance for Hereditary cancer-predisposing syndrome. Last evaluated: 2024-10-30. Review status: criteria provided, single submitter. Criteria: ACMG Guidelines, 2015. Collection method: clinical testing. Allele origin: germline.
Comment: PM2_Supporting, BP4 c.2722A>G is located in exon 19 of the BRIP1 gene, is predicted to result in the substitution of treonine by alanine at codon 908, p.(Thr908Ala).It is not present in the population database gnomAD v2.1.1, non cancer dataset (PM2_Supporting). The SpliceAI algorithm predicts no significant impact on splicing and the REVEL meta-predictor score for this variant (0.063) suggests that it does not affect the protein function according to Pejaver 2022 thresholds (PMID: 36413997)(BP4_Moderate). To our knowledge, neither relevant clinical data nor functional studies have been reported for this variant. In addition, the variant was also identified in the LOVD database (1x not classified) but is not present in the ClinVar database. Based on currently available information, the variant c.2722A>G is classified as an uncertain significance variant according to ACMG guidelines.

Color Diagnostics, LLC DBA Color Health
Classification: Uncertain significance for Hereditary cancer-predisposing syndrome. Last evaluated: 2024-03-06. Review status: criteria provided, single submitter. Criteria: ACMG Guidelines, 2015. Collection method: clinical testing. Allele origin: germline.
Comment: This missense variant replaces threonine with alanine at codon 908 of the BRIP1 protein. Computational prediction suggests that this variant may not impact protein structure and function (internally defined REVEL score threshold <= 0.5, PMID: 27666373). To our knowledge, functional studies have not been reported for this variant. This variant has not been reported in individuals affected with BRIP1-related disorders in the literature. This variant has not been identified in the general population by the Genome Aggregation Database (gnomAD). The available evidence is insufficient to determine the role of this variant in disease conclusively. Therefore, this variant is classified as a Variant of Uncertain Significance.

NM_032043.3(BRIP1):c.2722A>G (p.Thr908Ala)

Gene: BRIP1 (BRCA1 interacting DNA helicase 1; minus strand). Cytogenetic location: 17q23.2.
Variant type: single nucleotide variant.
Coding change: c.2722A>G on transcript NM_032043.3 (MANE Select); coding-DNA position 2722, A replaced by G.
Protein change: p.Thr908Ala; replaces threonine 908 with alanine.
Molecular consequence: missense variant.
Genome position (GRCh38, 1-based): chr17:61,686,019, T>C on the plus strand (A>G on the coding strand, the complement: BRIP1 is on the minus strand). VCF-style: chr17-61686019-T-C. GRCh37 (hg19) VCF-style: chr17-59763380-T-C.
Other names: short protein forms T908A.
Identifiers: ClinVar variation 3774475 (VCV003774475.2).